The following is an entry in ClinVar:

ClinVar aggregate classification (germline): Uncertain significance (1 of 4 stars; one submission).

Submission:

Greenwood Genetic Center Diagnostic Laboratories, Greenwood Genetic Center
Classification: Uncertain significance. Last evaluated: 2026-06-10. Review status: criteria provided, single submitter. Criteria: ACMG Guidelines, 2015. Collection method: clinical testing. Allele origin: germline.
Comment: PM2, BP4, PP2

NM_016333.4(SRRM2):c.8203A>G (p.Arg2735Gly)

Gene: SRRM2 (serine/arginine repetitive matrix 2; plus strand). Cytogenetic location: 16p13.3.
Variant type: single nucleotide variant.
Coding change: c.8203A>G on transcript NM_016333.4 (MANE Select); coding-DNA position 8203, A replaced by G.
Protein change: p.Arg2735Gly; replaces arginine 2735 with glycine.
Molecular consequence: missense variant.
Genome position (GRCh38, 1-based): chr16:2,770,671, A>G. VCF-style: chr16-2770671-A-G. GRCh37 (hg19) VCF-style: chr16-2820672-A-G.
Other names: short protein forms R2735G.
Identifiers: ClinVar variation 4891141 (VCV004891141.1).